The following is an entry in ClinVar:

NM_016239.4(MYO15A):c.9518-10G>A

Gene: MYO15A (myosin XVA; plus strand). Cytogenetic location: 17p11.2.
Variant type: single nucleotide variant.
Coding change: c.9518-10G>A on transcript NM_016239.4 (MANE Select); 10 bases into the intron before coding-DNA position 9518, G replaced by A.
Molecular consequence: intron variant.
Genome position (GRCh38, 1-based): chr17:18,162,575, G>A. VCF-style: chr17-18162575-G-A. GRCh37 (hg19) VCF-style: chr17-18065889-G-A.
Identifiers: ClinVar variation 289300 (VCV000289300.15), dbSNP rs570587230, ClinGen allele CA8425584.

ClinVar aggregate classification (germline): Conflicting classifications of pathogenicity. Review status: criteria provided, conflicting classifications (1 of 4 stars). 5 submissions from 5 submitters: Uncertain significance (1); Benign (1); Likely benign (3). Last evaluated 2025-05-12.

Conditions:
MYO15A-related disorder. Also called: MYO15A-related condition.
Autosomal recessive nonsyndromic hearing loss 3. Also called: NEUROSENSORY NONSYNDROMIC RECESSIVE DEAFNESS 3. Identifiers: Orphanet 90636, MedGen C1838263, MONDO:0010860, OMIM 600316.

Allele frequency attached by ClinVar (database versions not stated): gnomAD 0.00004 and 0.00020; TOPMed 0.00005; gnomAD exomes 0.00040 and 0.00073; ExAC 0.00082; 1000 Genomes Project 30x 0.00109; 1000 Genomes Project 0.00120.
gnomAD v4.1: 612 of 1,613,458 alleles (0.038%); highest among the groups gnomAD compares: South Asian, 0.57%; 5 homozygotes.

Submissions (5):

PreventionGenetics, part of Exact Sciences
Classification: Likely benign for MYO15A-related condition. Last evaluated: 2025-05-12. Review status: criteria provided, single submitter. Criteria: ACMG Guidelines, 2015. Collection method: clinical testing. Allele origin: germline.
Comment: This variant is classified as likely benign based on ACMG/AMP sequence variant interpretation guidelines (Richards et al. 2015 PMID: 25741868, with internal and published modifications).

GeneDx
Classification: Likely benign. Last evaluated: 2019-02-14. Review status: criteria provided, single submitter. Criteria: GeneDx Variant Classification Process June 2021. Collection method: clinical testing. Allele origin: germline. Affected: yes.

Labcorp Genetics (formerly Invitae), Labcorp
Classification: Benign. Last evaluated: 2018-10-31. Review status: criteria provided, single submitter. Criteria: Invitae Variant Classification Sherloc (09022015). Collection method: clinical testing. Allele origin: germline.

Illumina Laboratory Services, Illumina
Classification: Uncertain significance for Autosomal recessive nonsyndromic hearing loss 3. Last evaluated: 2018-01-13. Review status: criteria provided, single submitter. Criteria: ICSL Variant Classification Criteria 13 December 2019. Collection method: clinical testing. Allele origin: germline.

Eurofins Ntd Llc (ga)
Classification: Likely benign. Last evaluated: 2016-08-19. Review status: criteria provided, single submitter. Criteria: EGL Classification Definitions 2015. Collection method: clinical testing. Allele origin: germline. Observed: 1 variant allele, 1 heterozygote.